The following is an entry in ClinVar:

NM_001258392.3(CLPB):c.229C>A (p.Arg77Ser)

Genes: CLPB (ClpB family mitochondrial disaggregase; minus strand), LOC130006336 (ATAC-STARR-seq lymphoblastoid active region 5191; plus strand). Cytogenetic location: 11q13.4.
Variant type: single nucleotide variant.
Coding change: c.229C>A on transcript NM_001258392.3 (MANE Select); coding-DNA position 229, C replaced by A.
Protein change: p.Arg77Ser; replaces arginine 77 with serine.
Molecular consequence: missense variant. On other transcripts: 5 prime UTR variant (1).
Genome position (GRCh38, 1-based): chr11:72,434,246, G>T on the plus strand (C>A on the coding strand, the complement: CLPB is on the minus strand). VCF-style: chr11-72434246-G-T. GRCh37 (hg19) VCF-style: chr11-72145290-G-T.
Other names: c.229C>A, p.Arg77Ser (NM_001258393.3, NM_030813.6); c.-14C>A (NM_001258394.3); short protein forms R77S.
Identifiers: ClinVar variation 1051521 (VCV001051521.10), dbSNP rs567785578, ClinGen allele CA6171641.

ClinVar aggregate classification (germline): Uncertain significance. Review status: criteria provided, multiple submitters, no conflicts (2 of 4 stars). 2 submissions from 2 submitters: Uncertain significance (2). Last evaluated 2023-11-28.

Conditions:
3-methylglutaconic aciduria, type VIIB (MGCA7B). Also called: 3-methylglutaconic aciduria, type VII, with cataracts, neurologic involvement and neutropenia; 3-methylglutaconic aciduria with cataracts, neurologic involvement and neutropenia; CLPB Deficiency. Identifiers: Orphanet 445038, MedGen C5676893, MONDO:0014561, OMIM 616271.

Allele frequency attached by ClinVar (database versions not stated): gnomAD 0.00001; gnomAD exomes 0.00001; ExAC 0.00002; 1000 Genomes Project 0.00020; 1000 Genomes Project 30x 0.00031.
gnomAD v4.1: 3 of 1,613,326 alleles (0.00019%); highest among the groups gnomAD compares: Admixed American, 0.0033%; no homozygotes.

Submissions (2):

Labcorp Genetics (formerly Invitae), Labcorp
Classification: Uncertain significance for 3-methylglutaconic aciduria, type VIIB. Last evaluated: 2023-11-28. Review status: criteria provided, single submitter. Criteria: Invitae Variant Classification Sherloc (09022015). Collection method: clinical testing. Allele origin: germline.
Comment: This sequence change replaces arginine, which is basic and polar, with serine, which is neutral and polar, at codon 77 of the CLPB protein (p.Arg77Ser). This variant is present in population databases (rs567785578, gnomAD 0.003%). This variant has not been reported in the literature in individuals affected with CLPB-related conditions. ClinVar contains an entry for this variant (Variation ID: 1051521). An algorithm developed to predict the effect of missense changes on protein structure and function (PolyPhen-2) suggests that this variant is likely to be tolerated. In summary, the available evidence is currently insufficient to determine the role of this variant in disease. Therefore, it has been classified as a Variant of Uncertain Significance.

GeneDx
Classification: Uncertain significance. Last evaluated: 2022-03-24. Review status: criteria provided, single submitter. Criteria: GeneDx Variant Classification Process June 2021. Collection method: clinical testing. Allele origin: germline. Affected: yes.
Comment: Not observed at significant frequency in large population cohorts (gnomAD); In silico analysis supports that this missense variant does not alter protein structure/function; Has not been previously published as pathogenic or benign to our knowledge